The following is an entry in ClinVar:

ClinVar aggregate classification (germline): Uncertain significance (1 of 4 stars; one submission).

Submission:

Labcorp Genetics (formerly Invitae), Labcorp
Classification: Uncertain significance. Last evaluated: 2023-10-16. Review status: criteria provided, single submitter. Criteria: Invitae Variant Classification Sherloc (09022015). Collection method: clinical testing. Allele origin: germline.
Comment: This sequence change replaces lysine, which is basic and polar, with isoleucine, which is neutral and non-polar, at codon 2470 of the MTOR protein (p.Lys2470Ile). This variant is not present in population databases (gnomAD no frequency). This variant has not been reported in the literature in individuals affected with MTOR-related conditions. ClinVar contains an entry for this variant (Variation ID: 645521). Advanced modeling of protein sequence and biophysical properties (such as structural, functional, and spatial information, amino acid conservation, physicochemical variation, residue mobility, and thermodynamic stability) performed at Invitae indicates that this missense variant is not expected to disrupt MTOR protein function. In summary, the available evidence is currently insufficient to determine the role of this variant in disease. Therefore, it has been classified as a Variant of Uncertain Significance.

NM_004958.4(MTOR):c.7409A>T (p.Lys2470Ile)

Gene: MTOR (mechanistic target of rapamycin kinase; minus strand). Cytogenetic location: 1p36.22.
Variant type: single nucleotide variant.
Coding change: c.7409A>T on transcript NM_004958.4 (MANE Select); coding-DNA position 7409, A replaced by T.
Protein change: p.Lys2470Ile; replaces lysine 2470 with isoleucine.
Molecular consequence: missense variant.
Genome position (GRCh38, 1-based): chr1:11,109,687, T>A on the plus strand (A>T on the coding strand, the complement: MTOR is on the minus strand). VCF-style: chr1-11109687-T-A. GRCh37 (hg19) VCF-style: chr1-11169744-T-A.
Other names: c.7409A>T (LRG_734t1); short protein forms K2470I.
Identifiers: ClinVar variation 645521 (VCV000645521.8), dbSNP rs1570895733, ClinGen allele CA338378989.
Genomic context (GRCh38, chr1:11,109,687, plus strand): 5'-GTTCCTCAGAGGCTGAACTTACTGAAAGAATGAATAGATTCTGGCACTGTGGTCCCCGTT[T>A]TCTTATGGGCTGGCTCTCCAAGTTCCACACCGTCCAAAATTTCTATGGGAAAAGAAATCA-3'
Protein context (NP_004949.1, residues 2460-2480): GVELGEPAHK[Lys2470Ile]TGTTVPESIH